The following is an entry in ClinVar:

NM_014706.4(SART3):c.631G>A (p.Glu211Lys)

Gene: SART3 (spliceosome associated factor 3, U4/U6 recycling protein; minus strand). Cytogenetic location: 12q23.3.
Variant type: single nucleotide variant.
Coding change: c.631G>A on transcript NM_014706.4 (MANE Select); coding-DNA position 631, G replaced by A.
Protein change: p.Glu211Lys; replaces glutamic acid 211 with lysine.
Molecular consequence: missense variant.
Genome position (GRCh38, 1-based): chr12:108,545,237, C>T on the plus strand (G>A on the coding strand, the complement: SART3 is on the minus strand). VCF-style: chr12-108545237-C-T. GRCh37 (hg19) VCF-style: chr12-108939013-C-T.
Other names: c.631G>A, p.Glu211Lys (NM_001410983.1); short protein forms E211K.
Identifiers: ClinVar variation 2444506 (VCV002444506.1), dbSNP rs747354165, ClinGen allele CA386443688.

ClinVar aggregate classification (germline): Likely pathogenic (0 of 4 stars; one submission).

Conditions:
Intellectual disability, Neurodevelopmental defects and Developmental delay with 46,XY gonadal dysgenesis.

gnomAD v4.1: 1 of 1,614,198 alleles (0.000062%); no homozygotes.

Submission:

Reproductive Development, Murdoch Childrens Research Institute
Classification: Likely pathogenic for Intellectual disability, Neurodevelopmental defects and Developmental delay with 46,XY gonadal dysgenesis. Last evaluated: 2023-03-06. Review status: no assertion criteria provided. Collection method: research. Allele origin: biparental. Inheritance: Autosomal recessive inheritance. Affected: yes. Observed: 2 variant alleles.
Comment: This variant was identified a family with and is homozgyous in 2 affected children and heterozygous in both unaffected parents. It was identified as part of a larger study that has found biallelic variants in SART3 in nine children from six families with overlapping clinical features. The variant falls in a highly conserved residue within an important HAT protein domain. The variant is absent from online databases such as gnomAD.

Literature cited by the submitters: PubMed 37296101.